The following is an entry in ClinVar:

NM_001458.5(FLNC):c.5184C>A (p.Ser1728Arg)

Gene: FLNC (filamin C; plus strand). Cytogenetic location: 7q32.1.
Variant type: single nucleotide variant.
Coding change: c.5184C>A on transcript NM_001458.5 (MANE Select); coding-DNA position 5184, C replaced by A.
Protein change: p.Ser1728Arg; replaces serine 1728 with arginine.
Molecular consequence: missense variant.
Genome position (GRCh38, 1-based): chr7:128,849,563, C>A. VCF-style: chr7-128849563-C-A. GRCh37 (hg19) VCF-style: chr7-128489617-C-A.
Other names: c.5184C>A, p.Ser1728Arg (NM_001127487.2); short protein forms S1728R.
Identifiers: ClinVar variation 3757659 (VCV003757659.2).
Genomic context (GRCh38, chr7:128,849,563, plus strand): 5'-GCCCGAGCCGGGCAAGTACGTCATCACCATCCGCTTCGGGGGTGAGCACATCCCCAACAG[C>A]CCCTTCCACGTGCTGGTAAGTTCTGTAGCCACAGCAAGACTAGATGGCTGGGGAGGGGGG-3'
Protein context (NP_001449.3, residues 1718-1738): IRFGGEHIPN[Ser1728Arg]PFHVLACDPL

ClinVar aggregate classification (germline): Uncertain significance (1 of 4 stars; one submission).

Conditions:
Distal myopathy with posterior leg and anterior hand involvement. Also called: WILLIAMS DISTAL MYOPATHY. Identifiers: Orphanet 63273, MedGen C3279722, MONDO:0013550, OMIM 614065.
Hypertrophic cardiomyopathy 26. Also called: Cardiomyopathy, familial hypertrophic, 26. Identifiers: Orphanet 75249, MedGen C4310749, MONDO:0014883, OMIM 617047.
Myofibrillar myopathy 5. Also called: Filaminopathy (type); FILAMINOPATHY, AUTOSOMAL DOMINANT. Identifiers: Orphanet 171445, MedGen C1836050, MONDO:0012289, OMIM 609524.

Submission:

Labcorp Genetics (formerly Invitae), Labcorp
Classification: Uncertain significance for Distal myopathy with posterior leg and anterior hand involvement; Myofibrillar myopathy 5; Hypertrophic cardiomyopathy 26. Last evaluated: 2024-08-13. Review status: criteria provided, single submitter. Criteria: Invitae Variant Classification Sherloc (09022015). Collection method: clinical testing. Allele origin: germline.
Comment: This sequence change replaces serine, which is neutral and polar, with arginine, which is basic and polar, at codon 1728 of the FLNC protein (p.Ser1728Arg). This variant is not present in population databases (gnomAD no frequency). This variant has not been reported in the literature in individuals affected with FLNC-related conditions. Invitae Evidence Modeling of protein sequence and biophysical properties (such as structural, functional, and spatial information, amino acid conservation, physicochemical variation, residue mobility, and thermodynamic stability) has been performed for this missense variant. However, the output from this modeling did not meet the statistical confidence thresholds required to predict the impact of this variant on FLNC protein function. In summary, the available evidence is currently insufficient to determine the role of this variant in disease. Therefore, it has been classified as a Variant of Uncertain Significance.